The following is an entry in ClinVar:

NM_001010892.3(RSPH4A):c.1351C>T (p.Gln451Ter)

Gene: RSPH4A (radial spoke head component 4A; plus strand). Cytogenetic location: 6q22.1.
Variant type: single nucleotide variant.
Coding change: c.1351C>T on transcript NM_001010892.3 (MANE Select); coding-DNA position 1351, C replaced by T.
Protein change: p.Gln451Ter; replaces glutamine 451 with a stop codon.
Molecular consequence: nonsense.
Genome position (GRCh38, 1-based): chr6:116,628,058, C>T. VCF-style: chr6-116628058-C-T. GRCh37 (hg19) VCF-style: chr6-116949221-C-T.
Other names: c.1351C>T, p.Gln451Ter (NM_001161664.2); short protein forms Q451*.
Identifiers: ClinVar variation 454520 (VCV000454520.12), dbSNP rs750528020, ClinGen allele CA3970931.

ClinVar aggregate classification (germline): Pathogenic. Review status: criteria provided, multiple submitters, no conflicts (2 of 4 stars). 5 submissions from 5 submitters: Pathogenic (5). Last evaluated 2025-10-21.

Conditions:
RSPH4A-related disorder. Also called: RSPH4A-related condition.
Respiratory ciliopathies including non-CF bronchiectasis.
Primary ciliary dyskinesia. Also called: Ciliary dyskinesia. Identifiers: Orphanet 244, MedGen C0008780, MONDO:0016575, HP:0012265.
Primary ciliary dyskinesia 11. Also called: CILIARY DYSKINESIA, PRIMARY, 11, WITHOUT SITUS INVERSUS. Identifiers: Orphanet 244, MedGen C2675229, MONDO:0012978, OMIM 612649.

Allele frequency attached by ClinVar (database versions not stated): gnomAD exomes 0.00003 and 0.00005; TOPMed 0.00003; ExAC 0.00004; gnomAD 0.00005.
gnomAD v4.1: 72 of 1,614,046 alleles (0.0045%); highest among the groups gnomAD compares: Non-Finnish European, 0.0059%; no homozygotes.

Submissions (5):

Labcorp Genetics (formerly Invitae), Labcorp
Classification: Pathogenic for Primary ciliary dyskinesia. Last evaluated: 2025-10-21. Review status: criteria provided, single submitter. Criteria: Invitae Variant Classification Sherloc (09022015). Collection method: clinical testing. Allele origin: germline.
Comment: This sequence change creates a premature translational stop signal (p.Gln451*) in the RSPH4A gene. It is expected to result in an absent or disrupted protein product. Loss-of-function variants in RSPH4A are known to be pathogenic (PMID: 19200523). This variant is present in population databases (rs750528020, gnomAD 0.006%). This premature translational stop signal has been observed in individual(s) with primary ciliary dyskinesia (PMID: 23993197). ClinVar contains an entry for this variant (Variation ID: 454520). For these reasons, this variant has been classified as Pathogenic.

NHS Central & South Genomic Laboratory Hub
Classification: Pathogenic for Respiratory ciliopathies including non-CF bronchiectasis. Last evaluated: 2024-11-11. Review status: criteria provided, single submitter. Criteria: ACMG Guidelines, 2015. Collection method: clinical testing. Allele origin: germline. Affected: yes.

Ambry Genetics
Classification: Pathogenic for Primary ciliary dyskinesia. Last evaluated: 2024-07-10. Review status: criteria provided, single submitter. Criteria: Ambry Variant Classification Scheme 2023. Collection method: clinical testing. Allele origin: germline.
Comment: The p.Q451* pathogenic mutation (also known as c.1351C>T), located in coding exon 3 of the RSPH4A gene, results from a C to T substitution at nucleotide position 1351. This changes the amino acid from a glutamine to a stop codon within coding exon 3. This variant has been identified in conjunction with another RSPH4A variant in an individual with features consistent with primary ciliary dyskinesia and axonemal defects confirmed by transmission electronic microscopy (Kott E et al. Am J Hum Genet, 2013 Sep;93:561-70). In addition to the clinical data presented in the literature, this alteration is expected to result in loss of function by premature protein truncation or nonsense-mediated mRNA decay. As such, this alteration is interpreted as a disease-causing mutation.

Blueprint Genetics
Classification: Pathogenic for RSPH4A-related disorders. Last evaluated: 2022-10-20. Review status: criteria provided, single submitter. Criteria: ACMG Guidelines, 2015. Collection method: clinical testing. Allele origin: germline. Affected: yes. Observed: 5 variant alleles.

Fulgent Genetics
Classification: Pathogenic for Primary ciliary dyskinesia 11. Last evaluated: 2022-04-07. Review status: criteria provided, single submitter. Criteria: ACMG Guidelines, 2015. Collection method: clinical testing. Allele origin: unknown.

Literature cited by the submitters: PubMed 19200523 (cited by Labcorp Genetics (formerly Invitae), Labcorp); PubMed 23993197 (cited by Labcorp Genetics (formerly Invitae), Labcorp and Ambry Genetics).